The following is an entry in ClinVar:

ClinVar aggregate classification (germline): Uncertain significance (1 of 4 stars; one submission).

Allele frequency attached by ClinVar (database versions not stated): gnomAD exomes below 0.00001.
gnomAD v4.1: 1 of 1,612,182 alleles (0.000062%); highest among the groups gnomAD compares: East Asian, 0.0022%; no homozygotes.

Submission:

Ambry Genetics
Classification: Uncertain significance. Last evaluated: 2022-07-18. Review status: criteria provided, single submitter. Criteria: Ambry Variant Classification Scheme 2023. Collection method: clinical testing. Allele origin: germline.
Comment: The p.I665V variant (also known as c.1993A>G), located in coding exon 4 of the ALPK2 gene, results from an A to G substitution at nucleotide position 1993. The isoleucine at codon 665 is replaced by valine, an amino acid with highly similar properties. This amino acid position is conserved. In addition, this alteration is predicted to be tolerated by in silico analysis. Since supporting evidence is limited at this time, the clinical significance of this alteration remains unclear.

NM_052947.4(ALPK2):c.1993A>G (p.Ile665Val)

Gene: ALPK2 (alpha kinase 2; minus strand). Cytogenetic location: 18q21.31.
Variant type: single nucleotide variant.
Coding change: c.1993A>G on transcript NM_052947.4 (MANE Select); coding-DNA position 1993, A replaced by G.
Protein change: p.Ile665Val; replaces isoleucine 665 with valine.
Molecular consequence: missense variant.
Genome position (GRCh38, 1-based): chr18:58,538,194, T>C on the plus strand (A>G on the coding strand, the complement: ALPK2 is on the minus strand). VCF-style: chr18-58538194-T-C. GRCh37 (hg19) VCF-style: chr18-56205426-T-C.
Other names: short protein forms I665V.
Identifiers: ClinVar variation 1784006 (VCV001784006.2), dbSNP rs2051667398, ClinGen allele CA402571943.